The following is an entry in ClinVar:

NM_000478.6(ALPL):c.1307A>G (p.Tyr436Cys)

Gene: ALPL (alkaline phosphatase, biomineralization associated; plus strand). Cytogenetic location: 1p36.12.
Variant type: single nucleotide variant.
Coding change: c.1307A>G on transcript NM_000478.6 (MANE Select); coding-DNA position 1307, A replaced by G.
Protein change: p.Tyr436Cys; replaces tyrosine 436 with cysteine.
Molecular consequence: missense variant.
Genome position (GRCh38, 1-based): chr1:21,576,639, A>G. VCF-style: chr1-21576639-A-G. GRCh37 (hg19) VCF-style: chr1-21903132-A-G.
Other names: c.1142A>G, p.Tyr381Cys (NM_001127501.4); c.1076A>G, p.Tyr359Cys (NM_001177520.3); c.1307A>G, p.Tyr436Cys (NM_001369803.2, NM_001369804.2, NM_001369805.2); short protein forms Y359C, Y381C, Y436C.
Identifiers: ClinVar variation 4060319 (VCV004060319.5).
Genomic context (GRCh38, chr1:21,576,639, plus strand): 5'-GCAATGGGCCTGGCTACAAGGTGGTGGGCGGTGAACGAGAGAATGTCTCCATGGTGGACT[A>G]TGGTGAGACCTCCAGGACCCAGGGCTGGGAGGGGACAGGGCACCCCTCGGGGATGGGCTT-3'
Protein context (NP_000469.3, residues 426-446): GERENVSMVD[Tyr436Cys]AHNNYQAQSA

ClinVar aggregate classification (germline): Likely pathogenic. Review status: criteria provided, multiple submitters, no conflicts (2 of 4 stars). 4 submissions from 4 submitters: Likely pathogenic (4). Last evaluated 2025-09-25.

Conditions:
Childhood hypophosphatasia. Identifiers: Orphanet 247667, Orphanet 436, MedGen C0220743, MONDO:1010168, OMIM 241510, MONDO:0009428.
Adult hypophosphatasia. Identifiers: Orphanet 247676, Orphanet 436, MedGen C0268413, MONDO:1010154, OMIM 146300, MONDO:0007798.
Infantile hypophosphatasia. Identifiers: Orphanet 247651, Orphanet 436, MedGen C0268412, MONDO:1010169, OMIM 241500, MONDO:0009427.
Hypophosphatasia. Also called: Phosphoethanol-aminuria. Identifiers: Orphanet 436, MedGen C0020630, MeSH D007014, MONDO:0018570.

gnomAD v4.1: 5 of 1,613,390 alleles (0.00031%); highest among the groups gnomAD compares: Non-Finnish European, 0.00042%; no homozygotes.

Submissions (4):

Myriad Genetics, Inc.
Classification: Likely pathogenic for Hypophosphatasia. Last evaluated: 2025-09-25. Review status: criteria provided, single submitter. Criteria: Myriad Autosomal Dominant, Autosomal Recessive and X-Linked Classification Criteria (2023). Collection method: clinical testing. Allele origin: unknown.
Comment: NM_000478.4(ALPL):c.1307A>G(Y436C) is a missense variant classified as likely pathogenic in the context of hypophosphatasia. Y436C has been observed in cases with relevant disease (PMID: 25731960, 24276437, 33404770, 28663156, 40703321, Castro_2017_(Abstract). Relevant functional assessments of this variant are not available in the literature. Y436C has not been observed in referenced population frequency databases. In summary, NM_000478.4(ALPL):c.1307A>G(Y436C) is a missense variant that has been observed more frequently in cases with the relevant disease than in healthy populations. Please note: this variant was assessed in the context of healthy population screening.

Genomenon, Inc
Classification: Likely pathogenic for Hypophosphatasia. Last evaluated: 2025-08-29. Review status: criteria provided, single submitter. Criteria: Genomenon Sequence Variant Interpretation Standards. Collection method: curation. Allele origin: germline. Affected: yes.
Comment: ALPL p.Tyr436Cys (c.1307A>G) is a missense variant that changes the amino acid at residue 436 from Tyrosine to Cysteine. This variant has been observed in at least one proband affected with hypophosphatasia (PMID:33404770;25731960;31600233;24276437;28663156). It is absent or not present at a significant frequency in gnomAD. In silico models agree that this variant is possibly or probably damaging. In conclusion, we classify ALPL p.Tyr436Cys (c.1307A>G) as a likely pathogenic variant.

Natera, Inc.
Classification: Likely pathogenic for Hypophosphatasia. Last evaluated: 2025-01-25. Review status: criteria provided, single submitter. Criteria: Natera Variant Classification Schema (03/2026). Collection method: clinical testing. Allele origin: germline.
Comment: The c.1307A>G variant in ALPL is a missense variant predicted to cause substitution of tyrosine to cysteine at amino acid 436. This variant is rare in the general population with a frequency below the threshold expected for the associated phenotype(s). This variant has been observed in one or more individuals affected with the associated recessive disease, as either homozygous or compound heterozygous with a second variant (PMID: 28663156, 25731960, 24276437). Computational prediction algorithms indicate this variant is likely to affect gene or protein function. Given the available evidence, this variant is classified as Likely Pathogenic.

Juno Genomics, Hangzhou Juno Genomics, Inc
Classification: Likely pathogenic for Adult hypophosphatasia; Childhood hypophosphatasia; Infantile hypophosphatasia. Review status: criteria provided, single submitter. Criteria: ACMG Guidelines, 2015. Collection method: clinical testing. Allele origin: germline.
Comment: Absent from controls (or at extremely low frequency if recessive) in Genome Aggregation Database.;Multiple lines of computational evidence support a deleterious effect on the gene or gene product.;For recessive disorders, detected in trans with a pathogenic variant.;Patient's phenotype or family history is highly specific for a disease with a single genetic etiology.

Literature cited by the submitters: PubMed 33404770 (cited by Genomenon, Inc); PubMed 25731960 (cited by Genomenon, Inc and Natera, Inc.); PubMed 31600233 (cited by Genomenon, Inc); PubMed 24276437 (cited by Genomenon, Inc and Natera, Inc.); PubMed 28663156 (cited by Genomenon, Inc and Natera, Inc.).